The following is an entry in ClinVar:

NM_024101.7(MLPH):c.1378G>A (p.Glu460Lys)

Gene: MLPH (melanophilin; plus strand). Cytogenetic location: 2q37.3.
Variant type: single nucleotide variant.
Coding change: c.1378G>A on transcript NM_024101.7 (MANE Select); coding-DNA position 1378, G replaced by A.
Protein change: p.Glu460Lys; replaces glutamic acid 460 with lysine.
Molecular consequence: missense variant. On other transcripts: non-coding transcript variant (1), intron variant (1).
Genome position (GRCh38, 1-based): chr2:237,540,889, G>A. VCF-style: chr2-237540889-G-A. GRCh37 (hg19) VCF-style: chr2-238449532-G-A.
Other names: c.1294G>A, p.Glu432Lys (NM_001042467.3); c.949G>A, p.Glu317Lys (NM_001281474.2); c.1086+356G>A (NM_001281473.2); short protein forms E317K, E432K, E460K.
Identifiers: ClinVar variation 2633999 (VCV002633999.1), dbSNP rs956643448, ClinGen allele CA67861108.

ClinVar aggregate classification (germline): Uncertain significance (1 of 4 stars; one submission).

Conditions:
MLPH-related disorder. Also called: MLPH-related condition.

Allele frequency attached by ClinVar (database versions not stated): gnomAD exomes 0.00001.
gnomAD v4.1: 16 of 1,613,038 alleles (0.00099%); highest among the groups gnomAD compares: Admixed American, 0.0017%; no homozygotes.

Submission:

PreventionGenetics, part of Exact Sciences
Classification: Uncertain significance for MLPH-related condition. Last evaluated: 2023-10-04. Review status: criteria provided, single submitter. Criteria: ACMG Guidelines, 2015. Collection method: clinical testing. Allele origin: germline.
Comment: The MLPH c.1378G>A variant is predicted to result in the amino acid substitution p.Glu460Lys. To our knowledge, this variant has not been reported in the literature. This variant is reported in 0.0029% of alleles in individuals of Latino descent in gnomAD. At this time, the clinical significance of this variant is uncertain due to the absence of conclusive functional and genetic evidence.